The following is an entry in ClinVar:

NM_000203.5(IDUA):c.603C>G (p.Tyr201Ter)

Gene: IDUA (alpha-L-iduronidase; plus strand). Cytogenetic location: 4p16.3.
Variant type: single nucleotide variant.
Coding change: c.603C>G on transcript NM_000203.5 (MANE Select); coding-DNA position 603, C replaced by G.
Protein change: p.Tyr201Ter; replaces tyrosine 201 with a stop codon.
Molecular consequence: nonsense. On other transcripts: non-coding transcript variant (1).
Genome position (GRCh38, 1-based): chr4:1,001,692, C>G. VCF-style: chr4-1001692-C-G. GRCh37 (hg19) VCF-style: chr4-995480-C-G.
Other names: NM_000203.5(IDUA):c.603C>G; p.Tyr201Ter; c.603C>G (NM_000203.4); c.207C>G, p.Tyr69Ter (NM_001363576.1); short protein forms Y201*, Y69*.
Identifiers: ClinVar variation 1323100 (VCV001323100.6), dbSNP rs766574778, ClinGen allele CA355961899.

ClinVar aggregate classification (germline): Pathogenic. Review status: reviewed by expert panel (3 of 4 stars). 4 submissions from 4 submitters: Pathogenic (1). 3 of the submissions do not count toward it. Last evaluated 2025-07-07.

Conditions:
Mucopolysaccharidosis type 1. Also called: IDUA deficiency; MPS I; Mucopolysaccharidosis Type I. Identifiers: Orphanet 579, MedGen C0023786, MONDO:0001586.
Hurler syndrome. Also called: Gargoylism, Hurler Syndrome; MUCOPOLYSACCHARIDOSIS TYPE IH; Severe MPS I (Hurler Syndrome). Identifiers: Orphanet 93473, MedGen C0086795, MONDO:0011758, OMIM 607014.
Mucopolysaccharidosis, MPS-I-H/S. Also called: Mucopolysaccharidosis type IH/S. Identifiers: Orphanet 93476, MedGen C0086431, MONDO:0011759, OMIM 607015.
Mucopolysaccharidosis, MPS-I-S. Also called: MPS V; MUCOPOLYSACCHARIDOSIS TYPE V; Scheie Syndrome; MUCOPOLYSACCHARIDOSIS TYPE IS. Identifiers: Orphanet 93474, MedGen C0026708, MONDO:0011760, OMIM 607016.

gnomAD v4.1: 1 of 1,601,054 alleles (0.000062%); highest among the groups gnomAD compares: Non-Finnish European, 0.000085%; no homozygotes.

Submissions (4):

ClinGen Lysosomal Storage Disorder Variant Curation Expert Panel
Classification: Pathogenic for Mucopolysaccharidosis type 1. Last evaluated: 2025-07-07. Review status: reviewed by expert panel. Criteria: ClinGen LSD ACMG Specifications IDUA V1.0.0. Collection method: curation. Allele origin: germline. Inheritance: Autosomal recessive inheritance.
Comment: The NM_000203.5(IDUA):c.603C>G (p.Tyr201Ter) is a nonsense variant predicted to cause a premature stop codon in exon 6 out of a total of 14 exons, leading to nonsense-mediated decay in a gene in which loss-of-function is an established disease mechanism (PVS1). The variant has been detected in at least four probands with MPS I. Of these individuals, one was compound heterozygous for the variant and another variant in IDUA that has been classified as pathogenic for MPS I by the ClinGen LD VCEP, c.46_57del (ClinVar Variation ID: 92643) (PMID: 21394825, 33072983, 1 patient 1 x 0.5 points, phase unknown). Two individuals were homozygous for the variant (max 2 x 0.5). (Total 1.5 points, PM3_Moderate). Another patient was compound heterozygous for the variant and c.-14_10del (PMID: 21394825). The allelic data from this patient will be used in the classification of c.-14_10del and is not included here to avoid circular logic. The highest population minor allele frequency in gnomAD v4.1 is 0.000000848 (1/1,179,052 alleles) in the European (non-Finnish) population; this is lower than the ClinGen Lysosomal Diseases VCEP’s threshold for PM2_Supporting (<0.00025) meeting this criterion (PM2_Supporting). In summary, this variant meets the criteria to be classified as Pathogenic for MPS I based on the IDUA-specific ACMG/AMP criteria applied, as specified by the ClinGen Lysosomal Disease Variant Curation Expert Panel (Specifications Version 1.0.0): PVS1, PM3, PP4_Moderate, PM2_Supporting (Classification approved by the ClinGen Lysosomal Diseases Variant Curation Expert Panel on July 7, 2025).

Natera, Inc.
Classification: Pathogenic for Mucopolysaccharidosis type I. Last evaluated: 2025-03-17. Review status: criteria provided, single submitter. Criteria: Natera Variant Classification Schema (03/2026). Collection method: clinical testing. Allele origin: germline. Not counted in ClinVar's aggregate classification.
Comment: The c.603C>G variant in IDUA is a nonsense variant predicted to introduce a stop codon at amino acid 201. This variant is expected to result in nonsense mediated decay, truncation, or a dysfunctional protein product. This variant is rare in the general population with a frequency below the threshold expected for the associated phenotype(s). This variant has been observed in one or more individuals affected with the associated recessive disease, as either homozygous or compound heterozygous with a second variant (PMID: 21394825). Given the available evidence, this variant is classified as Pathogenic.

Fulgent Genetics
Classification: Pathogenic for Hurler syndrome; Mucopolysaccharidosis, MPS-I-H/S; Mucopolysaccharidosis, MPS-I-S. Last evaluated: 2024-01-20. Review status: criteria provided, single submitter. Criteria: ACMG Guidelines, 2015. Collection method: clinical testing. Allele origin: germline. Not counted in ClinVar's aggregate classification.

Revvity Omics, Revvity
Classification: Pathogenic. Last evaluated: 2020-08-31. Review status: criteria provided, single submitter. Criteria: ACMG Guidelines, 2015. Collection method: clinical testing. Allele origin: germline. Not counted in ClinVar's aggregate classification.

Literature cited by the submitters: PubMed 21394825 (cited by Natera, Inc.).